The following is an entry in ClinVar:

NM_012330.4(KAT6B):c.1278_1283del (p.Lys426_Val427del)

Gene: KAT6B (lysine acetyltransferase 6B; plus strand). Cytogenetic location: 10q22.2.
Variant type: Deletion.
Coding change: c.1278_1283del on transcript NM_012330.4 (MANE Select); coding-DNA positions 1278 to 1283, 6 bases deleted (AGTTAA; older notation c.1278_1283delAGTTAA).
Protein change: p.Lys426_Val427del.
Molecular consequence: inframe deletion. On other transcripts: intron variant (11).
Genome position (GRCh38, 1-based): chr10:74,975,615-74,975,620, AGTTAA deleted; deleting any 6 consecutive bases within chr10:74,975,611-74,975,620 gives the same sequence; the c. name uses the placement nearest the transcript's 3' end. VCF-style (leftmost placement, unchanged base first): chr10-74975610-CTTAAAG-C. GRCh37 (hg19) VCF-style: chr10-76735368-CTTAAAG-C.
Other names: c.1278_1283del, p.Lys426_Val427del (NM_001256468.2, NM_001370136.1, NM_001370137.1 and 1 more transcripts); c.1117+161_1117+166del (NM_001370139.1, NM_001370140.1, NM_001370141.1 and 3 more transcripts); c.846+5840_846+5845del (NM_001370133.1); c.193-3609_193-3604del (NM_001370134.1); c.929-1701_929-1696del (NM_001370143.1, NM_001370144.1); c.193-13404_193-13399del (NM_001370135.1).
Identifiers: ClinVar variation 1321577 (VCV001321577.7), dbSNP rs760375622, ClinGen allele CA5564384.

ClinVar aggregate classification (germline): Conflicting classifications of pathogenicity. Review status: criteria provided, conflicting classifications (1 of 4 stars). 3 submissions from 3 submitters: Uncertain significance (2); Likely benign (1). Last evaluated 2025-09-02.

Conditions:
Genitopatellar syndrome (GTPTS). Also called: ABSENT PATELLAE, SCROTAL HYPOPLASIA, RENAL ANOMALIES, FACIAL DYSMORPHISM, AND MENTAL RETARDATION; Genitopatellar syndrome (GPS). Identifiers: Orphanet 85201, MedGen C1853566, MONDO:0011640, OMIM 606170.
Blepharophimosis - intellectual disability syndrome, SBBYS type (SBBYSS). Also called: Young Simpson syndrome; Mental retardation unusual facies hypothyroidism; Say-Barber-Biesecker-Young-Simpson variant of Ohdo Syndrome; Ohdo syndrome, SBBYS variant; SBBYSS syndrome; Say-Barber-Biesecker Variant of Ohdo Syndrome. Identifiers: Orphanet 3047, MedGen C1863557, MONDO:0011365, OMIM 603736.

Submissions (3):

GeneDx
Classification: Uncertain significance. Last evaluated: 2025-09-02. Review status: criteria provided, single submitter. Criteria: GeneDx Variant Classification Process June 2021. Collection method: clinical testing. Allele origin: germline. Affected: yes.
Comment: Reported previously, using alternate nomenclature, in healthy controls and not considered to be causative of SBBYSS or Ohdo syndrome (PMID: 22077973); In-frame deletion of 2 amino acid(s) in a non-repeat region; In silico analysis supports a deleterious effect on protein structure/function; This variant is associated with the following publications: (PMID: 22077973)

Labcorp Genetics (formerly Invitae), Labcorp
Classification: Likely benign for Genitopatellar syndrome. Last evaluated: 2024-04-05. Review status: criteria provided, single submitter. Criteria: Invitae Variant Classification Sherloc (09022015). Collection method: clinical testing. Allele origin: germline.

Fulgent Genetics
Classification: Uncertain significance for Blepharophimosis - intellectual disability syndrome, SBBYS type; Genitopatellar syndrome. Last evaluated: 2021-12-08. Review status: criteria provided, single submitter. Criteria: ACMG Guidelines, 2015. Collection method: clinical testing. Allele origin: unknown.